The following is an entry in ClinVar:

ClinVar aggregate classification (germline): Uncertain significance (1 of 4 stars; one submission).

Conditions:
Lethal congenital glycogen storage disease of heart. Also called: GLYCOGEN STORAGE DISEASE OF HEART; PHOSPHORYLASE KINASE DEFICIENCY OF HEART. Identifiers: Orphanet 439854, MedGen C1849813, MONDO:0009867, OMIM 261740.

Submission:

Labcorp Genetics (formerly Invitae), Labcorp
Classification: Uncertain significance for Lethal congenital glycogen storage disease of heart. Last evaluated: 2020-08-14. Review status: criteria provided, single submitter. Criteria: Invitae Variant Classification Sherloc (09022015). Collection method: clinical testing. Allele origin: germline.
Comment: In summary, the available evidence is currently insufficient to determine the role of this variant in disease. Therefore, it has been classified as a Variant of Uncertain Significance. Algorithms developed to predict the effect of missense changes on protein structure and function (SIFT, PolyPhen-2, Align-GVGD) all suggest that this variant is likely to be disruptive, but these predictions have not been confirmed by published functional studies and their clinical significance is uncertain. This variant has not been reported in the literature in individuals with PRKAG2-related conditions. This variant is not present in population databases (ExAC no frequency). This sequence change replaces serine with threonine at codon 548 of the PRKAG2 protein (p.Ser548Thr). The serine residue is highly conserved and there is a small physicochemical difference between serine and threonine.

NM_016203.4(PRKAG2):c.1642T>A (p.Ser548Thr)

Gene: PRKAG2 (protein kinase AMP-activated non-catalytic subunit gamma 2; minus strand). Cytogenetic location: 7q36.1.
Variant type: single nucleotide variant.
Coding change: c.1642T>A on transcript NM_016203.4 (MANE Select); coding-DNA position 1642, T replaced by A.
Protein change: p.Ser548Thr; replaces serine 548 with threonine.
Molecular consequence: missense variant.
Genome position (GRCh38, 1-based): chr7:151,560,560, A>T on the plus strand (T>A on the coding strand, the complement: PRKAG2 is on the minus strand). VCF-style: chr7-151560560-A-T. GRCh37 (hg19) VCF-style: chr7-151257646-A-T.
Other names: c.1510T>A, p.Ser504Thr (NM_001040633.2); c.1267T>A, p.Ser423Thr (NM_001304527.2); c.919T>A, p.Ser307Thr (NM_001304531.2, NM_024429.2); c.1270T>A, p.Ser424Thr (NM_001363698.2); short protein forms S504T, S423T, S548T, S307T, S424T.
Identifiers: ClinVar variation 940664 (VCV000940664.9), dbSNP rs267606979, ClinGen allele CA370070300.